The following is an entry in ClinVar:

ClinVar aggregate classification (germline): Uncertain significance (1 of 4 stars; one submission).

Conditions:
Hereditary cancer-predisposing syndrome. Also called: Hereditary Cancer Syndrome; Neoplastic Syndromes, Hereditary; Tumor predisposition; Hereditary neoplastic syndrome. Identifiers: Orphanet 140162, MedGen C0027672, MeSH D009386, MONDO:0015356.
Cardiovascular phenotype. Identifiers: MedGen CN230736.

Submission:

Ambry Genetics
Classification: Uncertain significance for Cardiovascular phenotype; Hereditary cancer-predisposing syndrome. Last evaluated: 2023-12-15. Review status: criteria provided, single submitter. Criteria: Ambry Variant Classification Scheme 2023. Collection method: clinical testing. Allele origin: germline.
Comment: The p.E981Q variant (also known as c.2941G>C), located in coding exon 22 of the NF1 gene, results from a G to C substitution at nucleotide position 2941. The glutamic acid at codon 981 is replaced by glutamine, an amino acid with highly similar properties. This amino acid position is highly conserved in available vertebrate species. In addition, the in silico prediction for this alteration is inconclusive. Since supporting evidence is limited at this time, the clinical significance of this alteration remains unclear.

NM_001042492.3(NF1):c.2941G>C (p.Glu981Gln)

Gene: NF1 (neurofibromin 1; plus strand). Cytogenetic location: 17q11.2.
Variant type: single nucleotide variant.
Coding change: c.2941G>C on transcript NM_001042492.3 (MANE Select); coding-DNA position 2941, G replaced by C.
Protein change: p.Glu981Gln; replaces glutamic acid 981 with glutamine.
Molecular consequence: missense variant.
Genome position (GRCh38, 1-based): chr17:31,229,925, G>C. VCF-style: chr17-31229925-G-C. GRCh37 (hg19) VCF-style: chr17-29556943-G-C.
Other names: c.2941G>C, p.Glu981Gln (NM_000267.4); short protein forms E981Q.
Identifiers: ClinVar variation 480186 (VCV000480186.5), dbSNP rs1555614449, ClinGen allele CA398986276.
Genomic context (GRCh38, chr17:31,229,925, plus strand): 5'-GTAGAACAAACCATAGCTATAATGAAGAACTTGCTAGATAATCATACTGAAGGCAGCTCT[G>C]AACATCTAGGGCAAGCTAGCATTGAAACAATGATGTTAAATCTGGTCAGGTAAGCATTCT-3'
Protein context (NP_001035957.1, residues 971-991): LLDNHTEGSS[Glu981Gln]HLGQASIETM